The following is an entry in ClinVar:

NM_025099.6(CTC1):c.1682G>A (p.Arg561His)

Gene: CTC1 (CST telomere replication complex component 1; minus strand). Cytogenetic location: 17p13.1.
Variant type: single nucleotide variant.
Coding change: c.1682G>A on transcript NM_025099.6 (MANE Select); coding-DNA position 1682, G replaced by A.
Protein change: p.Arg561His; replaces arginine 561 with histidine.
Molecular consequence: missense variant. On other transcripts: non-coding transcript variant (1).
Genome position (GRCh38, 1-based): chr17:8,234,591, C>T on the plus strand (G>A on the coding strand, the complement: CTC1 is on the minus strand). VCF-style: chr17-8234591-C-T. GRCh37 (hg19) VCF-style: chr17-8137909-C-T.
Other names: short protein forms R561H.
Identifiers: ClinVar variation 1017425 (VCV001017425.9), dbSNP rs373690929, ClinGen allele CA8372277.

ClinVar aggregate classification (germline): Uncertain significance. Review status: criteria provided, multiple submitters, no conflicts (2 of 4 stars). 5 submissions from 5 submitters: Uncertain significance (4). 1 of the submissions does not count toward it. Last evaluated 2024-04-29.

Conditions:
Cerebroretinal microangiopathy with calcifications and cysts 1 (CRMCC1). Identifiers: Orphanet 313838, MedGen C4552029, MONDO:0024564, OMIM 612199.
Inborn genetic diseases. Identifiers: MedGen C0950123, MeSH D030342.
Dyskeratosis congenita. Identifiers: Orphanet 1775, MedGen C0265965, MONDO:0015780.
CTC1-related disorder. Also called: CTC1-related condition.

Allele frequency attached by ClinVar (database versions not stated): gnomAD 0.00004 and 0.00005; ESP Exome Variant Server 0.00008; TOPMed 0.00014; ExAC 0.00017.

Submissions (5):

Ambry Genetics
Classification: Uncertain significance for Inborn genetic diseases. Last evaluated: 2024-04-29. Review status: criteria provided, single submitter. Criteria: Ambry Variant Classification Scheme 2023. Collection method: clinical testing. Allele origin: germline.

Blueprint Genetics
Classification: Uncertain significance. Last evaluated: 2023-05-24. Review status: criteria provided, single submitter. Criteria: ACMG Guidelines, 2015. Collection method: clinical testing. Allele origin: germline.

Labcorp Genetics (formerly Invitae), Labcorp
Classification: Uncertain significance for Dyskeratosis congenita. Last evaluated: 2022-10-31. Review status: criteria provided, single submitter. Criteria: Invitae Variant Classification Sherloc (09022015). Collection method: clinical testing. Allele origin: germline.
Comment: This variant is present in population databases (rs373690929, gnomAD 0.08%). In summary, the available evidence is currently insufficient to determine the role of this variant in disease. Therefore, it has been classified as a Variant of Uncertain Significance. Advanced modeling of protein sequence and biophysical properties (such as structural, functional, and spatial information, amino acid conservation, physicochemical variation, residue mobility, and thermodynamic stability) performed at Invitae indicates that this missense variant is not expected to disrupt CTC1 protein function. ClinVar contains an entry for this variant (Variation ID: 1017425). This variant has not been reported in the literature in individuals affected with CTC1-related conditions. This sequence change replaces arginine, which is basic and polar, with histidine, which is basic and polar, at codon 561 of the CTC1 protein (p.Arg561His).

CENTOGENE GmbH and LLC - Guiding Precision Medicine
Classification: Uncertain significance for Cerebroretinal microangiopathy with calcifications and cysts 1. Last evaluated: 2021-04-19. Review status: criteria provided, single submitter. Criteria: ACMG Guidelines, 2015. Collection method: clinical testing. Allele origin: germline.

PreventionGenetics, part of Exact Sciences
Classification: Uncertain significance for CTC1-related condition. Last evaluated: 2024-02-07. Review status: no assertion criteria provided. Collection method: clinical testing. Allele origin: germline. Not counted in ClinVar's aggregate classification.
Comment: The CTC1 c.1682G>A variant is predicted to result in the amino acid substitution p.Arg561His. To our knowledge, this variant has not been reported in the literature. This variant is reported in 0.083% of alleles in individuals of East Asian descent in gnomAD. Although we suspect that this variant may be benign, at this time, the clinical significance of this variant is uncertain due to the absence of conclusive functional and genetic evidence.